The following is an entry in ClinVar:

ClinVar aggregate classification (germline): Uncertain significance (1 of 4 stars; one submission).

Conditions:
Familial cancer of breast. Also called: BREAST CANCER, FAMILIAL; Hereditary breast cancer; hereditary breast carcinoma. Identifiers: Orphanet 227535, MedGen C0346153, MONDO:0016419, OMIM 114480. Disease mechanism: loss of function.

Submission:

Labcorp Genetics (formerly Invitae), Labcorp
Classification: Uncertain significance for Familial cancer of breast. Last evaluated: 2021-12-30. Review status: criteria provided, single submitter. Criteria: Invitae Variant Classification Sherloc (09022015). Collection method: clinical testing. Allele origin: germline.
Comment: In summary, the available evidence is currently insufficient to determine the role of this variant in disease. Therefore, it has been classified as a Variant of Uncertain Significance. Algorithms developed to predict the effect of missense changes on protein structure and function (SIFT, PolyPhen-2, Align-GVGD) all suggest that this variant is likely to be tolerated. This variant has not been reported in the literature in individuals affected with PALB2-related conditions. This variant is not present in population databases (gnomAD no frequency). This sequence change replaces arginine, which is basic and polar, with serine, which is neutral and polar, at codon 170 of the PALB2 protein (p.Arg170Ser).

NM_024675.4(PALB2):c.510A>T (p.Arg170Ser)

Gene: PALB2 (partner and localizer of BRCA2; minus strand). Cytogenetic location: 16p12.2.
Variant type: single nucleotide variant.
Coding change: c.510A>T on transcript NM_024675.4 (MANE Select); coding-DNA position 510, A replaced by T.
Protein change: p.Arg170Ser; replaces arginine 170 with serine.
Molecular consequence: missense variant.
Genome position (GRCh38, 1-based): chr16:23,636,036, T>A on the plus strand (A>T on the coding strand, the complement: PALB2 is on the minus strand). VCF-style: chr16-23636036-T-A. GRCh37 (hg19) VCF-style: chr16-23647357-T-A.
Other names: c.450A>T, p.Arg150Ser (NM_001407296.1); c.510A>T, p.Arg170Ser (NM_001407297.1, NM_001407298.1, NM_001407299.1 and 3 more transcripts); c.-376A>T (NM_001407304.1, NM_001407305.1, NM_001407306.1 and 5 more transcripts); short protein forms R150S, R170S.
Identifiers: ClinVar variation 2066151 (VCV002066151.4), dbSNP rs1060502796, ClinGen allele CA395137015.